The following is an entry in ClinVar:

NM_052867.4(NALCN):c.1519G>T (p.Gly507Trp)

Gene: NALCN (sodium leak channel, non-selective; minus strand). Cytogenetic location: 13q33.1.
Variant type: single nucleotide variant.
Coding change: c.1519G>T on transcript NM_052867.4 (MANE Select); coding-DNA position 1519, G replaced by T.
Protein change: p.Gly507Trp; replaces glycine 507 with tryptophan.
Molecular consequence: missense variant.
Genome position (GRCh38, 1-based): chr13:101,229,500, C>A on the plus strand (G>T on the coding strand, the complement: NALCN is on the minus strand). VCF-style: chr13-101229500-C-A. GRCh37 (hg19) VCF-style: chr13-101881851-C-A.
Other names: c.1519G>T, p.Gly507Trp (NM_001350748.2, NM_001350749.2); c.1432G>T, p.Gly478Trp (NM_001350750.2, NM_001350751.2); short protein forms G478W, G507W.
Identifiers: ClinVar variation 3075805 (VCV003075805.1), dbSNP rs2502984781, ClinGen allele CA388704424.
Genomic context (GRCh38, chr13:101,229,500, plus strand): 5'-TCTGCAAACTAATTGCTGACATAACAATCAAGAGGCTGGCAGTAAATACAACCAAACTCC[C>A]AAGCTTTTTTCCAGGACCAAATATCTTGTACACAAAGTCTTCTAATGCAGGTGAAATCTT-3'
Protein context (NP_443099.1, residues 497-517): YKIFGPGKKL[Gly507Trp]SLVVFTASLL

ClinVar aggregate classification (germline): Uncertain significance (1 of 4 stars; one submission).

Submission:

Laboratory for Molecular Medicine, Mass General Brigham Personalized Medicine
Classification: Uncertain significance. Last evaluated: 2020-10-07. Review status: criteria provided, single submitter. Criteria: ACMG Guidelines, 2015. Collection method: clinical testing. Allele origin: germline.
Comment: The p.Gly507Trp variant in NALCN has not been previously reported in individuals with NALCN-related neurological disease and was absent from large population studies. This variant was confirmed to be de novo in an individual with intellectual disability, adult-onset progressive ataxia, speech changes, tremor, and cognitive regression by the Broad Institute Rare Genomes Project. However, given the differences in phenotypic presentation between this individual and individuals in the literature with disease-causing variants in NALCN, the significance of this de novo occurrence is uncertain. Computational prediction tools and conservation analyses suggest that this variant may impact the protein, though this information is not predictive enough to determine pathogenicity. The number of missense variants reported in this region of the NALCN gene in the general population is lower than expected, suggesting that a missense variant in this region may not be tolerated. In summary, while there is some suspicion that this variant may cause autosomal dominant NALCN-related neurological disease, the clinical significance of this variant is uncertain. ACMG/AMP Criteria applied: PS2_Moderate, PM2_Supporting, PP2, PP3.

Literature cited by the submitters: PubMed 28133733; PubMed 27633718; PubMed 30167850; PubMed 26763878; PubMed 25864427.